The following is an entry in ClinVar:

NM_013275.6(ANKRD11):c.3863C>T (p.Ala1288Val)

Gene: ANKRD11 (ankyrin repeat domain 11; minus strand). Cytogenetic location: 16q24.3.
Variant type: single nucleotide variant.
Coding change: c.3863C>T on transcript NM_013275.6 (MANE Select); coding-DNA position 3863, C replaced by T.
Protein change: p.Ala1288Val; replaces alanine 1288 with valine.
Molecular consequence: missense variant.
Genome position (GRCh38, 1-based): chr16:89,282,679, G>A on the plus strand (C>T on the coding strand, the complement: ANKRD11 is on the minus strand). VCF-style: chr16-89282679-G-A. GRCh37 (hg19) VCF-style: chr16-89349087-G-A.
Other names: c.3863C>T, p.Ala1288Val (NM_001256182.2, NM_001256183.2); short protein forms A1288V.
Identifiers: ClinVar variation 4687035 (VCV004687035.1).

ClinVar aggregate classification (germline): Uncertain significance (1 of 4 stars; one submission).

Submission:

GeneDx
Classification: Uncertain significance. Last evaluated: 2025-07-25. Review status: criteria provided, single submitter. Criteria: GeneDx Variant Classification Process June 2021. Collection method: clinical testing. Allele origin: germline. Affected: yes.
Comment: Not observed at significant frequency in large population cohorts (gnomAD); In silico analysis suggests that this missense variant does not alter protein structure/function; Has not been previously published as pathogenic or benign to our knowledge